The following is an entry in ClinVar:

ClinVar aggregate classification (germline): Uncertain significance. Review status: criteria provided, multiple submitters, no conflicts (2 of 4 stars). 3 submissions from 3 submitters: Uncertain significance (3). Last evaluated 2024-12-18.

Conditions:
Hypertrophic cardiomyopathy 10. Also called: MYL2-Related Familial Hypertrophic Cardiomyopathy; CARDIOMYOPATHY, HYPERTROPHIC, MID-LEFT VENTRICULAR CHAMBER TYPE, 2. Identifiers: MedGen C1834460, MONDO:0012112, OMIM 608758.

gnomAD v4.1: 1 of 1,614,178 alleles (0.000062%); no homozygotes.

Submissions (3):

Genomic Medicine Center of Excellence, King Faisal Specialist Hospital and Research Centre
Classification: Uncertain significance for Hypertrophic cardiomyopathy 10. Last evaluated: 2024-12-18. Review status: criteria provided, single submitter. Criteria: ACMG Guidelines, 2015. Collection method: clinical testing. Allele origin: germline.

Labcorp Genetics (formerly Invitae), Labcorp
Classification: Uncertain significance for Hypertrophic cardiomyopathy 10. Last evaluated: 2022-07-05. Review status: criteria provided, single submitter. Criteria: Invitae Variant Classification Sherloc (09022015). Collection method: clinical testing. Allele origin: germline.
Comment: In summary, the available evidence is currently insufficient to determine the role of this variant in disease. Therefore, it has been classified as a Variant of Uncertain Significance. Variants that disrupt the consensus splice site are a relatively common cause of aberrant splicing (PMID: 17576681, 9536098). Algorithms developed to predict the effect of sequence changes on RNA splicing suggest that this variant may disrupt the consensus splice site. ClinVar contains an entry for this variant (Variation ID: 489183). This variant has not been reported in the literature in individuals affected with MYL2-related conditions. This variant is not present in population databases (gnomAD no frequency). This sequence change falls in intron 6 of the MYL2 gene. It does not directly change the encoded amino acid sequence of the MYL2 protein. It affects a nucleotide within the consensus splice site.

GeneDx
Classification: Uncertain significance. Last evaluated: 2017-12-04. Review status: criteria provided, single submitter. Criteria: GeneDx Variant Classification (06012015). Collection method: clinical testing. Allele origin: germline. Affected: yes.
Comment: A variant of uncertain significance has been identified in the MYL2 gene. The c.402+1 G>T variant has not been published as pathogenic or been reported as benign to our knowledge. This variant is not observed in large population cohorts (Lek et al., 2016). The c.402+1 G>T variant is predicted to destroy the canonical splice donor site in intron 6 and to cause abnormal gene splicing. However, in the absence of functional mRNA studies, the physiological consequence of this variant cannot be precisely determined. In addition, only a few other splice site variants in the MYL2 gene have been reported in HGMD in association with HCM, and the majority of variants reported in this gene are missense variants (Stenson et al., 2014).

Literature cited by the submitters: PubMed 17576681 (cited by Labcorp Genetics (formerly Invitae), Labcorp); PubMed 9536098 (cited by Labcorp Genetics (formerly Invitae), Labcorp).

NM_000432.4(MYL2):c.402+1G>T

Gene: MYL2 (myosin light chain 2; minus strand). Cytogenetic location: 12q24.11.
Variant type: single nucleotide variant.
Coding change: c.402+1G>T on transcript NM_000432.4 (MANE Select); the canonical splice donor site of the intron after coding-DNA position 402, G replaced by T.
Molecular consequence: splice donor variant.
Genome position (GRCh38, 1-based): chr12:110,913,095, C>A on the plus strand (G>T on the coding strand, the complement: MYL2 is on the minus strand). VCF-style: chr12-110913095-C-A. GRCh37 (hg19) VCF-style: chr12-111350899-C-A.
Other names: c.345+1G>T (NM_001406916.1); c.360+1G>T (NM_001406745.1).
Identifiers: ClinVar variation 489183 (VCV000489183.9), dbSNP rs1555257746, ClinGen allele CA386697684.